The following is an entry in ClinVar:

NM_007315.4(STAT1):c.274-3T>C

Gene: STAT1 (signal transducer and activator of transcription 1; minus strand). Cytogenetic location: 2q32.2.
Variant type: single nucleotide variant.
Coding change: c.274-3T>C on transcript NM_007315.4 (MANE Select); 3 bases into the intron before coding-DNA position 274, T replaced by C.
Molecular consequence: intron variant.
Genome position (GRCh38, 1-based): chr2:191,007,664, A>G on the plus strand (T>C on the coding strand, the complement: STAT1 is on the minus strand). VCF-style: chr2-191007664-A-G. GRCh37 (hg19) VCF-style: chr2-191872390-A-G.
Other names: c.274-3T>C (NM_001384890.1, NM_001384883.1, NM_001384885.1 and 7 more transcripts); c.310-3T>C (NM_001384891.1); c.280-3T>C (NM_001384884.1, NM_001384881.1).
Identifiers: ClinVar variation 1062471 (VCV001062471.9), dbSNP rs777002134, ClinGen allele CA2030277.

ClinVar aggregate classification (germline): Uncertain significance (1 of 4 stars; one submission).

Conditions:
Mendelian susceptibility to mycobacterial diseases due to partial STAT1 deficiency. Also called: Immunodeficiency 31a; IMMUNODEFICIENCY 31A, MYCOBACTERIOSIS, AUTOSOMAL DOMINANT; STAT1 DEFICIENCY, AUTOSOMAL DOMINANT. Identifiers: Orphanet 319595, MedGen C4013950, MONDO:0013956, OMIM 614892.
Immunodeficiency 31B. Also called: IMMUNODEFICIENCY 31B, MYCOBACTERIAL AND VIRAL INFECTIONS, AUTOSOMAL RECESSIVE; STAT1 DEFICIENCY, AUTOSOMAL RECESSIVE. Identifiers: Orphanet 391311, MedGen C3151088, MONDO:0013427, OMIM 613796.
Autoimmune enteropathy and endocrinopathy - susceptibility to chronic infections syndrome. Also called: Immunodeficiency 31C; Immunodeficiency 31C, autosomal dominant. Identifiers: Orphanet 391487, MedGen C3279990, MONDO:0013599, OMIM 614162.

Allele frequency attached by ClinVar (database versions not stated): gnomAD 0.00001; ExAC 0.00001; gnomAD exomes below 0.00001; TOPMed 0.00001.
gnomAD v4.1: 3 of 1,598,778 alleles (0.00019%); highest among the groups gnomAD compares: Non-Finnish European, 0.00026%; no homozygotes.

Submission:

Labcorp Genetics (formerly Invitae), Labcorp
Classification: Uncertain significance for Mendelian susceptibility to mycobacterial diseases due to partial STAT1 deficiency; Immunodeficiency 31B; Autoimmune enteropathy and endocrinopathy - susceptibility to chronic infections syndrome. Last evaluated: 2025-04-17. Review status: criteria provided, single submitter. Criteria: Invitae Variant Classification Sherloc (09022015). Collection method: clinical testing. Allele origin: germline.
Comment: This sequence change falls in intron 4 of the STAT1 gene. It does not directly change the encoded amino acid sequence of the STAT1 protein. It affects a nucleotide within the consensus splice site. This variant is not present in population databases (gnomAD no frequency). This variant has not been reported in the literature in individuals affected with STAT1-related conditions. ClinVar contains an entry for this variant (Variation ID: 1062471). Variants that disrupt the consensus splice site are a relatively common cause of aberrant splicing (PMID: 17576681, 9536098). Algorithms developed to predict the effect of sequence changes on RNA splicing suggest that this variant is not likely to affect RNA splicing. In summary, the available evidence is currently insufficient to determine the role of this variant in disease. Therefore, it has been classified as a Variant of Uncertain Significance.

Literature cited by the submitters: PubMed 17576681; PubMed 9536098.